The following is an entry in ClinVar:

ClinVar aggregate classification (germline): Uncertain significance. Review status: criteria provided, multiple submitters, no conflicts (2 of 4 stars). 4 submissions from 4 submitters: Uncertain significance (3). 1 of the submissions does not count toward it. Last evaluated 2025-01-06.

Conditions:
Inborn genetic diseases. Identifiers: MedGen C0950123, MeSH D030342.
Retinal dystrophy. Also called: Inherited retinal dystrophy. Identifiers: Orphanet 71862, MedGen C0854723, MeSH D058499, MONDO:0019118, HP:0000556.

Allele frequency attached by ClinVar (database versions not stated): gnomAD 0.00001; TOPMed 0.00001; ExAC 0.00003; gnomAD exomes 0.00004; ESP Exome Variant Server 0.00015.
gnomAD v4.1: 24 of 1,609,954 alleles (0.0015%); highest among the groups gnomAD compares: South Asian, 0.0077%; no homozygotes.

Submissions (4):

Labcorp Genetics (formerly Invitae), Labcorp
Classification: Uncertain significance. Last evaluated: 2025-01-06. Review status: criteria provided, single submitter. Criteria: Invitae Variant Classification Sherloc (09022015). Collection method: clinical testing. Allele origin: germline.
Comment: This sequence change replaces valine, which is neutral and non-polar, with leucine, which is neutral and non-polar, at codon 245 of the CWC27 protein (p.Val245Leu). This variant is present in population databases (rs147540109, gnomAD 0.02%). This variant has not been reported in the literature in individuals affected with CWC27-related conditions. ClinVar contains an entry for this variant (Variation ID: 1013754). An algorithm developed to predict the effect of missense changes on protein structure and function (PolyPhen-2) suggests that this variant¬†is likely to be tolerated. In summary, the available evidence is currently insufficient to determine the role of this variant in disease. Therefore, it has been classified as a Variant of Uncertain Significance.

Ambry Genetics
Classification: Uncertain significance for Inborn genetic diseases. Last evaluated: 2024-09-12. Review status: criteria provided, single submitter. Criteria: Ambry Variant Classification Scheme 2023. Collection method: clinical testing. Allele origin: germline.

Blueprint Genetics
Classification: Uncertain significance. Last evaluated: 2021-05-24. Review status: criteria provided, single submitter. Criteria: ACMG Guidelines, 2015. Collection method: clinical testing. Allele origin: germline.

Institute of Human Genetics, Univ. Regensburg, Univ. Regensburg
Classification: Uncertain significance for Retinal dystrophy. Last evaluated: 2023-01-01. Review status: no assertion criteria provided. Criteria: ACMG Guidelines, 2015. Collection method: clinical testing. Allele origin: germline. Affected: yes. Not counted in ClinVar's aggregate classification.

NM_005869.4(CWC27):c.733G>C (p.Val245Leu)

Gene: CWC27 (CWC27 spliceosome associated cyclophilin; plus strand). Cytogenetic location: 5q12.3.
Variant type: single nucleotide variant.
Coding change: c.733G>C on transcript NM_005869.4 (MANE Select); coding-DNA position 733, G replaced by C.
Protein change: p.Val245Leu; replaces valine 245 with leucine.
Molecular consequence: missense variant.
Genome position (GRCh38, 1-based): chr5:64,800,311, G>C. VCF-style: chr5-64800311-G-C. GRCh37 (hg19) VCF-style: chr5-64096138-G-C.
Other names: c.733G>C, p.Val245Leu (NM_001297644.1, NM_001297645.2, NM_001318000.2 and 1 more transcripts); c.733G>C (NM_005869.2); short protein forms V245L.
Identifiers: ClinVar variation 1013754 (VCV001013754.10), dbSNP rs147540109, ClinGen allele CA3282061.